The following is an entry in ClinVar:

NM_024513.4(FYCO1):c.2142G>A (p.Glu714=)

Gene: FYCO1 (FYVE and coiled-coil domain autophagy adaptor 1; minus strand). Cytogenetic location: 3p21.31.
Variant type: single nucleotide variant.
Coding change: c.2142G>A on transcript NM_024513.4 (MANE Select); coding-DNA position 2142, G replaced by A.
Protein change: p.Glu714=; no amino-acid change (glutamic acid 714 retained).
Molecular consequence: synonymous variant. On other transcripts: non-coding transcript variant (1).
Genome position (GRCh38, 1-based): chr3:45,967,192, C>T on the plus strand (G>A on the coding strand, the complement: FYCO1 is on the minus strand). VCF-style: chr3-45967192-C-T. GRCh37 (hg19) VCF-style: chr3-46008684-C-T.
Other names: c.2142G>A, p.Glu714= (NM_001386421.1, NM_001386422.1, NM_001386423.1 and 4 more transcripts); c.2022G>A, p.Glu674= (NM_001386426.1); c.1998G>A, p.Glu666= (NM_001386427.1); c.1542G>A, p.Glu514= (NM_001386430.1).
Identifiers: ClinVar variation 2653730 (VCV002653730.24), dbSNP rs2528976232, ClinGen allele CA433590783.

ClinVar aggregate classification (germline): Likely benign (1 of 4 stars; one submission).

Submission:

CeGaT Center for Human Genetics Tuebingen
Classification: Likely benign. Last evaluated: 2022-07-01. Review status: criteria provided, single submitter. Criteria: CeGaT Center For Human Genetics Tuebingen Variant Classification Criteria Version 2. Collection method: clinical testing. Allele origin: germline. Affected: yes. Observed: 1 variant allele.
Comment: FYCO1: PM2:Supporting, BP4, BP7